The following is an entry in ClinVar:

ClinVar aggregate classification (germline): Uncertain significance (1 of 4 stars; one submission).

Conditions:
Hereditary pancreatitis (PCTT). Also called: Hereditary chronic pancreatitis; PRSS1-Related Hereditary Pancreatitis. Identifiers: Orphanet 676, MedGen C0238339, MONDO:0008185, OMIM 167800.

Submission:

Ambry Genetics
Classification: Uncertain significance for Hereditary pancreatitis. Last evaluated: 2024-11-19. Review status: criteria provided, single submitter. Criteria: Ambry Variant Classification Scheme 2023. Collection method: clinical testing. Allele origin: germline.
Comment: The p.L125R variant (also known as c.374T>G), located in coding exon 3 of the CPA1 gene, results from a T to G substitution at nucleotide position 374. The leucine at codon 125 is replaced by arginine, an amino acid with dissimilar properties. This amino acid position is conserved. In addition, the in silico prediction for this alteration is inconclusive. Since supporting evidence is limited at this time, the clinical significance of this alteration remains unclear.

NM_001868.4(CPA1):c.374T>G (p.Leu125Arg)

Gene: CPA1 (carboxypeptidase A1; plus strand). Cytogenetic location: 7q32.2.
Variant type: single nucleotide variant.
Coding change: c.374T>G on transcript NM_001868.4 (MANE Select); coding-DNA position 374, T replaced by G.
Protein change: p.Leu125Arg; replaces leucine 125 with arginine.
Molecular consequence: missense variant.
Genome position (GRCh38, 1-based): chr7:130,381,856, T>G. VCF-style: chr7-130381856-T-G. GRCh37 (hg19) VCF-style: chr7-130021697-T-G.
Other names: short protein forms L125R.
Identifiers: ClinVar variation 1734554 (VCV001734554.3), dbSNP rs2536005603, ClinGen allele CA369280560.
Genomic context (GRCh38, chr7:130,381,856, plus strand): 5'-TCGCCTTCCGGTCCCGGGCGCGCTCCACCGACACTTTTAACTACGCCACCTACCACACCC[T>G]GGAGGAGGTGAGGGCGCCCCTAGCGGCCGCTCCCTGCAGCCACCAGCTCTTCATCATGGC-3'
Protein context (NP_001859.1, residues 115-135): DTFNYATYHT[Leu125Arg]EEIYDFLDLL